The following is an entry in ClinVar:

NM_004380.3(CREBBP):c.6932C>T (p.Pro2311Leu)

Gene: CREBBP (CREB binding lysine acetyltransferase; minus strand). Cytogenetic location: 16p13.3.
Variant type: single nucleotide variant.
Coding change: c.6932C>T on transcript NM_004380.3 (MANE Select); coding-DNA position 6932, C replaced by T.
Protein change: p.Pro2311Leu; replaces proline 2311 with leucine.
Molecular consequence: missense variant.
Genome position (GRCh38, 1-based): chr16:3,728,115, G>A on the plus strand (C>T on the coding strand, the complement: CREBBP is on the minus strand). VCF-style: chr16-3728115-G-A. GRCh37 (hg19) VCF-style: chr16-3778116-G-A.
Other names: c.6932C>T (NM_004380.2); c.6818C>T, p.Pro2273Leu (NM_001079846.1); short protein forms P2311L, P2273L.
Identifiers: ClinVar variation 2153406 (VCV002153406.5), dbSNP rs761751428, ClinGen allele CA7868977.

ClinVar aggregate classification (germline): Conflicting classifications of pathogenicity. Review status: criteria provided, conflicting classifications (1 of 4 stars). 2 submissions from 2 submitters: Uncertain significance (1); Benign (1). Last evaluated 2026-09-16.

Conditions:
CREBBP-related disorder. Also called: CREBBP-related condition; CREBBP-related disorders.
Rubinstein-Taybi syndrome (RSTS). Identifiers: Orphanet 783, MedGen C0035934, MONDO:0019188.

Allele frequency attached by ClinVar (database versions not stated): gnomAD 0.00001; gnomAD exomes 0.00001; ExAC 0.00002.
gnomAD v4.1: 9 of 1,614,014 alleles (0.00056%); highest among the groups gnomAD compares: Admixed American, 0.0067%; no homozygotes.

Submissions (2):

PreventionGenetics, part of Exact Sciences
Classification: Uncertain significance for CREBBP-related condition. Last evaluated: 2026-09-16. Review status: criteria provided, single submitter. Criteria: ACMG Guidelines, 2015. Collection method: clinical testing. Allele origin: germline.
Comment: The CREBBP c.6932C>T variant is predicted to result in the amino acid substitution p.Pro2311Leu. To our knowledge, this variant has not been reported in the literature. This variant is reported in 0.012% of alleles in individuals of Latino descent in gnomAD. Although we suspect that this variant may be benign, at this time, the clinical significance of this variant is uncertain due to the absence of conclusive functional and genetic evidence.

Labcorp Genetics (formerly Invitae), Labcorp
Classification: Benign for Rubinstein-Taybi syndrome. Last evaluated: 2025-03-13. Review status: criteria provided, single submitter. Criteria: Invitae Variant Classification Sherloc (09022015). Collection method: clinical testing. Allele origin: germline.